The following is an entry in ClinVar:

NM_000238.4(KCNH2):c.2053C>T (p.Arg685Cys)

Gene: KCNH2 (potassium voltage-gated channel subfamily H member 2; minus strand). Cytogenetic location: 7q36.1.
Variant type: single nucleotide variant.
Coding change: c.2053C>T on transcript NM_000238.4 (MANE Select); coding-DNA position 2053, C replaced by T.
Protein change: p.Arg685Cys; replaces arginine 685 with cysteine.
Molecular consequence: missense variant.
Genome position (GRCh38, 1-based): chr7:150,951,013, G>A on the plus strand (C>T on the coding strand, the complement: KCNH2 is on the minus strand). VCF-style: chr7-150951013-G-A. GRCh37 (hg19) VCF-style: chr7-150648101-G-A.
Other names: c.1033C>T, p.Arg345Cys (NM_001204798.2, NM_172057.3); c.1765C>T, p.Arg589Cys (NM_001406753.1, NM_001406756.1); c.1876C>T, p.Arg626Cys (NM_001406755.1); c.1753C>T, p.Arg585Cys (NM_001406757.1); c.2053C>T, p.Arg685Cys (NM_172056.3); short protein forms R345C, R685C, R626C, R585C, R589C.
Identifiers: ClinVar variation 448974 (VCV000448974.19), dbSNP rs778135438, ClinGen allele CA030488.

ClinVar aggregate classification (germline): Conflicting classifications of pathogenicity. Review status: criteria provided, conflicting classifications (1 of 4 stars). 5 submissions from 5 submitters: Likely pathogenic (1); Uncertain significance (4). Last evaluated 2026-01-21.

Conditions:
Cardiac arrhythmia. Also called: Arrhythmia; Cardiac rhythm disease. Identifiers: MedGen C0003811, MONDO:0007263, HP:0011675.
Long QT syndrome (LQTS). Identifiers: MedGen C0023976, MeSH D008133, MONDO:0002442. Disease mechanism: loss of function. Inheritance: Various modes of inheritance.
Long QT syndrome 2 (LQT2). Identifiers: Orphanet 101016, Orphanet 768, MedGen C3150943, MONDO:0013367, OMIM 613688.

Allele frequency attached by ClinVar (database versions not stated): gnomAD exomes below 0.00001 and 0.00001; ExAC 0.00001; TOPMed 0.00002.
gnomAD v4.1: 6 of 1,614,116 alleles (0.00037%); highest among the groups gnomAD compares: African/African-American, 0.0053%; no homozygotes.

Submissions (5):

Labcorp Genetics (formerly Invitae), Labcorp
Classification: Uncertain significance for Long QT syndrome. Last evaluated: 2026-01-21. Review status: criteria provided, single submitter. Criteria: Invitae Variant Classification Sherloc (09022015). Collection method: clinical testing. Allele origin: germline.
Comment: This sequence change replaces arginine, which is basic and polar, with cysteine, which is neutral and slightly polar, at codon 685 of the KCNH2 protein (p.Arg685Cys). The frequency data for this variant in the population databases is considered unreliable, as metrics indicate poor data quality at this position in the gnomAD database. This variant has not been reported in the literature in individuals affected with KCNH2-related conditions. ClinVar contains an entry for this variant (Variation ID: 448974). An algorithm developed to predict the effect of missense changes on protein structure and function (PolyPhen-2) suggests that this variant is likely to be disruptive. In summary, the available evidence is currently insufficient to determine the role of this variant in disease. Therefore, it has been classified as a Variant of Uncertain Significance.

Color Diagnostics, LLC DBA Color Health
Classification: Uncertain significance for Cardiac arrhythmia. Last evaluated: 2025-06-30. Review status: criteria provided, single submitter. Criteria: ACMG Guidelines, 2015. Collection method: clinical testing. Allele origin: germline.
Comment: This missense variant replaces arginine with cysteine at codon 685 of the KCNH2 protein. This variant is located within the conserved C-terminal cytoplasmic (aa 660-1159) of the KCNH2 protein. Rare non-truncating variants in this region have been shown to be significantly overrepresented in individuals with long QT syndrome (PMID: 32893267). Computational prediction suggests that this variant may have deleterious impact on protein structure and function. To our knowledge, functional studies have not been reported for this variant. This variant has not been reported in individuals affected with KCNH2-related disorders in the literature. This variant has not been identified in the general population by the Genome Aggregation Database (gnomAD). The available evidence is insufficient to determine the role of this variant in disease conclusively. Therefore, this variant is classified as a Variant of Uncertain Significance.

All of Us Research Program, National Institutes of Health
Classification: Uncertain significance for Long QT syndrome. Last evaluated: 2023-08-28. Review status: criteria provided, single submitter. Criteria: ACMG Guidelines, 2015. Collection method: clinical testing. Allele origin: germline. Inheritance: Autosomal dominant inheritance. Observed: 2 variant alleles, 2 heterozygotes.
Comment: This missense variant replaces arginine with cysteine at codon 685 of the KCNH2 protein. Computational prediction suggests that this variant may have deleterious impact on protein structure and function (internally defined REVEL score threshold >= 0.7, PMID: 27666373). To our knowledge, functional studies have not been reported for this variant. This variant has not been reported in individuals affected with KCNH2-related disorders in the literature. This variant has not been identified in the general population by the Genome Aggregation Database (gnomAD). The available evidence is insufficient to determine the role of this variant in disease conclusively. Therefore, this variant is classified as a Variant of Uncertain Significance.

This study involves interpretation of variants in research participants for the purpose of population health screening. Participant phenotype was not available at the time of variant classification. Additional details can be found in publication PMID: 35346344, PMCID: PMC8962531

ARUP Laboratories, Molecular Genetics and Genomics, ARUP Laboratories
Classification: Uncertain significance. Last evaluated: 2019-11-25. Review status: criteria provided, single submitter. Criteria: ARUP Molecular Germline Variant Investigation Process. Collection method: clinical testing. Allele origin: germline.
Comment: The KCNH2 c.2053C>T; p.Arg685Cys variant (rs778135438), to our knowledge, is not reported in the medical literature but is reported in ClinVar (Variation ID: 448974). This variant is only observed on three alleles in the Genome Aggregation Database, indicating it is not a common polymorphism. The arginine at codon 685 is highly conserved, and computational analyses (SIFT, PolyPhen-2) predict that this variant is deleterious. Additionally, another variant at this codon (c.2054G>A; p.Arg685His) has been reported in individuals with long QT syndrome (Mullally 2013). However, due to limited information, the clinical significance of the p.Arg685Cys variant is uncertain at this time. References: Mullally J et al. Risk of life-threatening cardiac events among patients with long QT syndrome and multiple mutations. Heart Rhythm. 2013 Mar;10(3):378-82.

MVZ Martinsried, Medicover Genetics
Classification: Likely pathogenic for Long QT syndrome 2. Last evaluated: 2017-05-24. Review status: criteria provided, single submitter. Criteria: ACMG Guidelines, 2015. Collection method: clinical testing. Allele origin: unknown. Affected: yes.

Literature cited by the submitters: PubMed 32893267 (cited by Color Diagnostics, LLC DBA Color Health).